The following is an entry in ClinVar:

ClinVar aggregate classification (germline): Uncertain significance (1 of 4 stars; one submission).

Conditions:
Dyskeratosis congenita. Identifiers: Orphanet 1775, MedGen C0265965, MONDO:0015780.

Submission:

Ambry Genetics
Classification: Uncertain significance for Dyskeratosis congenita. Last evaluated: 2022-09-10. Review status: criteria provided, single submitter. Criteria: Ambry Variant Classification Scheme 2023. Collection method: clinical testing. Allele origin: germline.
Comment: The p.I686T variant (also known as c.2057T>C), located in coding exon 5 of the TERT gene, results from a T to C substitution at nucleotide position 2057. The isoleucine at codon 686 is replaced by threonine, an amino acid with similar properties. This amino acid position is conserved. In addition, the in silico prediction for this alteration is inconclusive. Since supporting evidence is limited at this time, the clinical significance of this alteration remains unclear.

NM_198253.3(TERT):c.2057T>C (p.Ile686Thr)

Gene: TERT (telomerase reverse transcriptase; minus strand). Cytogenetic location: 5p15.33.
Variant type: single nucleotide variant.
Coding change: c.2057T>C on transcript NM_198253.3 (MANE Select); coding-DNA position 2057, T replaced by C.
Protein change: p.Ile686Thr; replaces isoleucine 686 with threonine.
Molecular consequence: missense variant. On other transcripts: non-coding transcript variant (2).
Genome position (GRCh38, 1-based): chr5:1,279,364, A>G on the plus strand (T>C on the coding strand, the complement: TERT is on the minus strand). VCF-style: chr5-1279364-A-G. GRCh37 (hg19) VCF-style: chr5-1279479-A-G.
Other names: c.2057T>C, p.Ile686Thr (NM_001193376.3, NM_003219.1); short protein forms I686T.
Identifiers: ClinVar variation 1785152 (VCV001785152.2), dbSNP rs2478275589, ClinGen allele CA359080300.